The following is an entry in ClinVar:

ClinVar aggregate classification (germline): Conflicting classifications of pathogenicity. Review status: criteria provided, conflicting classifications (1 of 4 stars). 2 submissions from 2 submitters: Uncertain significance (1); Likely benign (1). Last evaluated 2022-07-26.

Conditions:
Cardiovascular phenotype. Identifiers: MedGen CN230736.

Allele frequency attached by ClinVar (database versions not stated): gnomAD exomes 0.00002 and 0.00004; ExAC 0.00009; TOPMed 0.00017; gnomAD 0.00022; ESP Exome Variant Server 0.00023; 1000 Genomes Project 0.00060; 1000 Genomes Project 30x 0.00078.
gnomAD v4.1: 60 of 1,613,820 alleles (0.0037%); highest among the groups gnomAD compares: African/African-American, 0.068%; no homozygotes.

Submissions (2):

Ambry Genetics
Classification: Likely benign for Cardiovascular phenotype. Last evaluated: 2022-07-26. Review status: criteria provided, single submitter. Criteria: Ambry Variant Classification Scheme 2023. Collection method: clinical testing. Allele origin: germline.

Labcorp Genetics (formerly Invitae), Labcorp
Classification: Uncertain significance. Last evaluated: 2022-05-09. Review status: criteria provided, single submitter. Criteria: Invitae Variant Classification Sherloc (09022015). Collection method: clinical testing. Allele origin: germline.
Comment: This sequence change replaces serine, which is neutral and polar, with cysteine, which is neutral and slightly polar, at codon 79 of the PRDM5 protein (p.Ser79Cys). This variant is present in population databases (rs201325904, gnomAD 0.07%). This variant has not been reported in the literature in individuals affected with PRDM5-related conditions. ClinVar contains an entry for this variant (Variation ID: 347453). Algorithms developed to predict the effect of missense changes on protein structure and function are either unavailable or do not agree on the potential impact of this missense change (SIFT: "Deleterious"; PolyPhen-2: "Possibly Damaging"; Align-GVGD: "Class C15"). In summary, the available evidence is currently insufficient to determine the role of this variant in disease. Therefore, it has been classified as a Variant of Uncertain Significance.

NM_018699.4(PRDM5):c.236C>G (p.Ser79Cys)

Gene: PRDM5 (PR/SET domain 5; minus strand). Cytogenetic location: 4q27.
Variant type: single nucleotide variant.
Coding change: c.236C>G on transcript NM_018699.4 (MANE Select); coding-DNA position 236, C replaced by G.
Protein change: p.Ser79Cys; replaces serine 79 with cysteine.
Molecular consequence: missense variant.
Genome position (GRCh38, 1-based): chr4:120,853,482, G>C on the plus strand (C>G on the coding strand, the complement: PRDM5 is on the minus strand). VCF-style: chr4-120853482-G-C. GRCh37 (hg19) VCF-style: chr4-121774637-G-C.
Other names: c.236C>G, p.Ser79Cys (NM_001300823.2, NM_001300824.2, NM_001379104.1 and 1 more transcripts); short protein forms S79C.
Identifiers: ClinVar variation 347453 (VCV000347453.8), dbSNP rs201325904, ClinGen allele CA3061452.